The following is an entry in ClinVar:

NM_001080449.3(DNA2):c.1415+3A>C

Gene: DNA2 (DNA replication helicase/nuclease 2; minus strand). Cytogenetic location: 10q21.3.
Variant type: single nucleotide variant.
Coding change: c.1415+3A>C on transcript NM_001080449.3 (MANE Select); 3 bases into the intron after coding-DNA position 1415, A replaced by C.
Molecular consequence: intron variant.
Genome position (GRCh38, 1-based): chr10:68,442,914, T>G on the plus strand (A>C on the coding strand, the complement: DNA2 is on the minus strand). VCF-style: chr10-68442914-T-G. GRCh37 (hg19) VCF-style: chr10-70202671-T-G.
Identifiers: ClinVar variation 2093128 (VCV002093128.4), dbSNP rs1284611253, ClinGen allele CA2574563583.
Genomic context (GRCh38, chr10:68,442,914, plus strand): 5'-AAAGGCCACCTCATTCACTAATCCAAACTACTGAAATCTTACTGTACTAAATGGACCACT[T>G]ACATTTCCGAAGCAGGCATTAGCCAGATATTTTGGTGATTCTTTTTATTATCCTTCGATT-3'

ClinVar aggregate classification (germline): Uncertain significance (1 of 4 stars; one submission).

Allele frequency attached by ClinVar (database versions not stated): gnomAD exomes below 0.00001.
gnomAD v4.1: 2 of 1,607,180 alleles (0.00012%); highest among the groups gnomAD compares: Non-Finnish European, 0.00017%; no homozygotes.

Submission:

Labcorp Genetics (formerly Invitae), Labcorp
Classification: Uncertain significance. Last evaluated: 2024-02-24. Review status: criteria provided, single submitter. Criteria: Invitae Variant Classification Sherloc (09022015). Collection method: clinical testing. Allele origin: germline.
Comment: This sequence change falls in intron 9 of the DNA2 gene. It does not directly change the encoded amino acid sequence of the DNA2 protein. It affects a nucleotide within the consensus splice site. This variant is not present in population databases (gnomAD no frequency). This variant has not been reported in the literature in individuals affected with DNA2-related conditions. ClinVar contains an entry for this variant (Variation ID: 2093128). Variants that disrupt the consensus splice site are a relatively common cause of aberrant splicing (PMID: 17576681, 9536098). Algorithms developed to predict the effect of sequence changes on RNA splicing suggest that this variant may disrupt the consensus splice site. In summary, the available evidence is currently insufficient to determine the role of this variant in disease. Therefore, it has been classified as a Variant of Uncertain Significance.

Literature cited by the submitters: PubMed 17576681; PubMed 9536098.